The following is an entry in ClinVar:

NR_186857.1(ORAI1):n.906_909dup

Gene: ORAI1 (ORAI calcium release-activated calcium modulator 1; plus strand). Cytogenetic location: 12q24.31.
Variant type: Duplication.
Molecular consequence: non-coding transcript variant (on NR_186857.1).
Genome position: GRCh38 VCF-style: chr12-121641423-T-TCACC. GRCh37 (hg19) VCF-style: chr12-122079329-T-TCACC.
Identifiers: ClinVar variation 4791642 (VCV004791642.1).

ClinVar aggregate classification (germline): Likely pathogenic (1 of 4 stars; one submission).

Conditions:
Combined immunodeficiency due to ORAI1 deficiency. Also called: IMMUNODEFICIENCY 9. Identifiers: Orphanet 169090, Orphanet 317428, MedGen C2748568, MONDO:0013007, OMIM 612782.
Myopathy, tubular aggregate, 2 (TAM2). Identifiers: MedGen C4014557, MONDO:0014383, OMIM 615883.

Submission:

Labcorp Genetics (formerly Invitae), Labcorp
Classification: Likely pathogenic for Myopathy, tubular aggregate, 2; Combined immunodeficiency due to ORAI1 deficiency. Last evaluated: 2025-11-23. Review status: criteria provided, single submitter. Criteria: Invitae Variant Classification Sherloc (09022015). Collection method: clinical testing. Allele origin: germline.
Comment: This sequence change creates a premature translational stop signal (p.Pro231Hisfs*34) in the ORAI1 gene. While this is not anticipated to result in nonsense mediated decay, it is expected to disrupt the last 71 amino acid(s) of the ORAI1 protein. This variant is not present in population databases (gnomAD no frequency). This variant has not been reported in the literature in individuals affected with ORAI1-related conditions. This variant disrupts the STIM1 binding domain of the ORAI1 protein, which regulates calcium influx (PMID: 26138675, 23447534, 23613525). While functional studies have not been performed to directly test the effect of this variant on ORAI1 protein function, this suggests that disruption of this region of the protein is causative of disease. In summary, the currently available evidence indicates that the variant is pathogenic, but additional data are needed to prove that conclusively. Therefore, this variant has been classified as Likely Pathogenic.

Literature cited by the submitters: PubMed 26138675; PubMed 23447534; PubMed 23613525.